The following is an entry in ClinVar:

NM_020975.6(RET):c.2607+9A>G

Gene: RET (ret proto-oncogene; plus strand). Cytogenetic location: 10q11.21.
Variant type: single nucleotide variant.
Coding change: c.2607+9A>G on transcript NM_020975.6 (MANE Select); 9 bases into the intron after coding-DNA position 2607, A replaced by G.
Molecular consequence: intron variant.
Genome position (GRCh38, 1-based): chr10:43,119,754, A>G. VCF-style: chr10-43119754-A-G. GRCh37 (hg19) VCF-style: chr10-43615202-A-G.
Other names: c.2607+9A>G (NM_020630.7, NM_001406743.1, NM_001406744.1 and 2 more transcripts); c.2472+9A>G (NM_001406765.1, NM_001406763.1); c.2211+9A>G (NM_001406772.1, NM_001406769.1); c.2169+9A>G (NM_001406773.1, NM_001406771.1); c.1710+9A>G (NM_001406782.1, NM_001406780.1, NM_001406779.1 and 1 more transcripts); c.1575+9A>G (NM_001406787.1); c.1590+9A>G (NM_001406785.1); c.2478+9A>G (NM_001406764.1, NM_001406762.1, NM_001406761.1); and 10 more.
Identifiers: ClinVar variation 650859 (VCV000650859.9), dbSNP rs863224427, ClinGen allele CA915945889.

ClinVar aggregate classification (germline): Likely benign. Review status: criteria provided, multiple submitters, no conflicts (2 of 4 stars). 2 submissions from 2 submitters: Likely benign (2). Last evaluated 2025-03-05.

Conditions:
Multiple endocrine neoplasia, type 2 (MEN2). Identifiers: Orphanet 653, MedGen C4048306, MONDO:0019003. Disease mechanism: gain of function.
Multiple endocrine neoplasia type 2A. Also called: MULTIPLE ENDOCRINE NEOPLASIA, TYPE IIA; PTC SYNDROME; SIPPLE SYNDROME; MEN 2A; MEN-2A syndrome; Pheochromocytoma and amyloid producing medullary thyroid carcinoma. Identifiers: Orphanet 247698, Orphanet 653, MedGen C0025268, MeSH D018813, MONDO:0008234, OMIM 171400.

Submissions (2):

Labcorp Genetics (formerly Invitae), Labcorp
Classification: Likely benign for Multiple endocrine neoplasia, type 2. Last evaluated: 2025-03-05. Review status: criteria provided, single submitter. Criteria: Invitae Variant Classification Sherloc (09022015). Collection method: clinical testing. Allele origin: germline.

Myriad Genetics, Inc.
Classification: Likely benign for Multiple endocrine neoplasia type 2A. Last evaluated: 2025-02-27. Review status: criteria provided, single submitter. Criteria: Myriad Autosomal Dominant, Autosomal Recessive and X-Linked Classification Criteria (2023). Collection method: clinical testing. Allele origin: unknown.
Comment: This variant is considered likely benign. This variant is intronic and is not expected to impact mRNA splicing.